The following is an entry in ClinVar:

ClinVar aggregate classification (germline): Uncertain significance (1 of 4 stars; one submission).

Allele frequency attached by ClinVar (database versions not stated): TOPMed below 0.00001.
gnomAD v4.1: 1 of 1,614,052 alleles (0.000062%); highest among the groups gnomAD compares: Non-Finnish European, 0.000085%; no homozygotes.

Submission:

Labcorp Genetics (formerly Invitae), Labcorp
Classification: Uncertain significance. Last evaluated: 2023-07-21. Review status: criteria provided, single submitter. Criteria: Invitae Variant Classification Sherloc (09022015). Collection method: clinical testing. Allele origin: germline.
Comment: Advanced modeling of protein sequence and biophysical properties (such as structural, functional, and spatial information, amino acid conservation, physicochemical variation, residue mobility, and thermodynamic stability) performed at Invitae indicates that this missense variant is not expected to disrupt USH2A protein function. In summary, the available evidence is currently insufficient to determine the role of this variant in disease. Therefore, it has been classified as a Variant of Uncertain Significance. ClinVar contains an entry for this variant (Variation ID: 2044054). This variant has not been reported in the literature in individuals affected with USH2A-related conditions. This variant is not present in population databases (gnomAD no frequency). This sequence change replaces alanine, which is neutral and non-polar, with valine, which is neutral and non-polar, at codon 975 of the USH2A protein (p.Ala975Val).

NM_206933.4(USH2A):c.2924C>T (p.Ala975Val)

Genes: USH2A (usherin; minus strand), USH2A-AS1 (USH2A antisense RNA 1; plus strand). Cytogenetic location: 1q41.
Variant type: single nucleotide variant.
Coding change: c.2924C>T on transcript NM_206933.4 (MANE Select); coding-DNA position 2924, C replaced by T.
Protein change: p.Ala975Val; replaces alanine 975 with valine.
Molecular consequence: missense variant.
Genome position (GRCh38, 1-based): chr1:216,232,022, G>A on the plus strand (C>T on the coding strand, the complement: USH2A is on the minus strand). VCF-style: chr1-216232022-G-A. GRCh37 (hg19) VCF-style: chr1-216405364-G-A.
Other names: c.2924C>T, p.Ala975Val (NM_007123.6); short protein forms A975V.
Identifiers: ClinVar variation 2044054 (VCV002044054.4), dbSNP rs2035706482, ClinGen allele CA344863206.
Genomic context (GRCh38, chr1:216,232,022, plus strand): 5'-TGAGGATCAAATCCAAAGTAATGGTCTTTGCATTGGTCACAACGTTGCCCAGCAATGGAA[G>A]CATCTTGGCAAACACACTGACCAGTCAGGCTATTACAGATGTGATTAACTGCACCAGTTG-3'
Protein context (NP_996816.3, residues 965-985): SLTGQCVCQD[Ala975Val]SIAGQRCDQC